The following is an entry in ClinVar:

ClinVar aggregate classification (germline): Uncertain significance (1 of 4 stars; one submission).

Conditions:
Short-rib thoracic dysplasia 14 with polydactyly (SRTD14). Identifiers: Orphanet 397715, MedGen C4225286, MONDO:0014688, OMIM 616546.
Joubert syndrome 23 (JBTS23). Identifiers: Orphanet 475, MedGen C4084822, MONDO:0014664, OMIM 616490.

Allele frequency attached by ClinVar (database versions not stated): gnomAD exomes below 0.00001.

Submission:

Labcorp Genetics (formerly Invitae), Labcorp
Classification: Uncertain significance for Joubert syndrome 23; Short-rib thoracic dysplasia 14 with polydactyly. Last evaluated: 2021-10-19. Review status: criteria provided, single submitter. Criteria: Invitae Variant Classification Sherloc (09022015). Collection method: clinical testing. Allele origin: germline.
Comment: In summary, the available evidence is currently insufficient to determine the role of this variant in disease. Therefore, it has been classified as a Variant of Uncertain Significance. Algorithms developed to predict the effect of missense changes on protein structure and function output the following: SIFT: "Deleterious"; PolyPhen-2: "Benign"; Align-GVGD: "Class C0". The isoleucine amino acid residue is found in multiple mammalian species, which suggests that this missense change does not adversely affect protein function. This variant has not been reported in the literature in individuals affected with KIAA0586-related conditions. This variant is not present in population databases (ExAC no frequency). This sequence change replaces valine with isoleucine at codon 379 of the KIAA0586 protein (p.Val379Ile). The valine residue is moderately conserved and there is a small physicochemical difference between valine and isoleucine.

NM_001329943.3(KIAA0586):c.976G>A (p.Val326Ile)

Gene: KIAA0586 (KIAA0586; plus strand). Cytogenetic location: 14q23.1.
Variant type: single nucleotide variant.
Coding change: c.976G>A on transcript NM_001329943.3 (MANE Select); coding-DNA position 976, G replaced by A.
Protein change: p.Val326Ile; replaces valine 326 with isoleucine.
Molecular consequence: missense variant.
Genome position (GRCh38, 1-based): chr14:58,450,593, G>A. VCF-style: chr14-58450593-G-A. GRCh37 (hg19) VCF-style: chr14-58917311-G-A.
Other names: c.976G>A, p.Val326Ile (NM_001329944.2, NM_001329946.2, NM_001329947.2 and 1 more transcripts); c.721G>A, p.Val241Ile (NM_001329945.2, NM_001364700.1, NM_001364701.2 and 1 more transcripts); c.1135G>A, p.Val379Ile (NM_001244189.2); c.931G>A, p.Val311Ile (NM_001244190.2); c.844G>A, p.Val282Ile (NM_001244192.2); c.556G>A, p.Val186Ile (NM_001244193.2); short protein forms V186I, V241I, V311I, V326I, V282I, V379I.
Identifiers: ClinVar variation 1345597 (VCV001345597.6), dbSNP rs1317366636, ClinGen allele CA389864990.
Genomic context (GRCh38, chr14:58,450,593, plus strand): 5'-AGCTTTTTAAAAGCAAGTTAAGTTTTTAAAAAATTTTCTGTTAAAGCACCTTTAAAAGAA[G>A]TTGAAGATACGAGTTTTGATAAACAGAAATCTCCTTTGGAGACACCAGCACCTCGCAGAT-3'
Protein context (NP_001316872.1, residues 316-336): FASKQAPLKE[Val326Ile]EDTSFDKQKS